The following is an entry in ClinVar:

NM_015192.4(PLCB1):c.890G>A (p.Arg297His)

Gene: PLCB1 (phospholipase C beta 1; plus strand). Cytogenetic location: 20p12.3.
Variant type: single nucleotide variant.
Coding change: c.890G>A on transcript NM_015192.4 (MANE Select); coding-DNA position 890, G replaced by A.
Protein change: p.Arg297His; replaces arginine 297 with histidine.
Molecular consequence: missense variant.
Genome position (GRCh38, 1-based): chr20:8,684,959, G>A. VCF-style: chr20-8684959-G-A. GRCh37 (hg19) VCF-style: chr20-8665606-G-A.
Other names: c.890G>A, p.Arg297His (NM_182734.3); c.890G>A (NM_015192.2); short protein forms R297H.
Identifiers: ClinVar variation 339501 (VCV000339501.12), dbSNP rs775904184, ClinGen allele CA9759849.

ClinVar aggregate classification (germline): Uncertain significance. Review status: criteria provided, multiple submitters, no conflicts (2 of 4 stars). 4 submissions from 4 submitters: Uncertain significance (4). Last evaluated 2026-03-31.

Conditions:
Inborn genetic diseases. Identifiers: MedGen C0950123, MeSH D030342.
Developmental and epileptic encephalopathy, 12 (DEE12). Identifiers: MedGen C3150988, MONDO:0013389, OMIM 613722.

Allele frequency attached by ClinVar (database versions not stated): TOPMed 0.00003; ExAC 0.00001; gnomAD 0.00003.
gnomAD v4.1: 24 of 1,613,608 alleles (0.0015%); highest among the groups gnomAD compares: African/African-American, 0.0093%; no homozygotes.

Submissions (4):

Ambry Genetics
Classification: Uncertain significance for Inborn genetic diseases. Last evaluated: 2026-03-31. Review status: criteria provided, single submitter. Criteria: Ambry Variant Classification Scheme 2023. Collection method: clinical testing. Allele origin: germline.
Comment: The c.890G>A (p.R297H) alteration is located in exon 10 (coding exon 10) of the PLCB1 gene. This alteration results from a G to A substitution at nucleotide position 890, causing the arginine (R) at amino acid position 297 to be replaced by a histidine (H). Based on data from gnomAD, the A allele has an overall frequency of 0.002% (5/282830) total alleles studied. The highest observed frequency was 0.016% (4/24968) of African alleles. Based on insufficient or conflicting evidence, the clinical significance of this alteration remains unclear.

Labcorp Genetics (formerly Invitae), Labcorp
Classification: Uncertain significance for Developmental and epileptic encephalopathy, 12. Last evaluated: 2022-02-28. Review status: criteria provided, single submitter. Criteria: Invitae Variant Classification Sherloc (09022015). Collection method: clinical testing. Allele origin: germline.
Comment: This sequence change replaces arginine, which is basic and polar, with histidine, which is basic and polar, at codon 297 of the PLCB1 protein (p.Arg297His). This variant is present in population databases (rs775904184, gnomAD 0.02%). This variant has not been reported in the literature in individuals affected with PLCB1-related conditions. ClinVar contains an entry for this variant (Variation ID: 339501). Algorithms developed to predict the effect of missense changes on protein structure and function are either unavailable or do not agree on the potential impact of this missense change (SIFT: "Deleterious"; PolyPhen-2: "Benign"; Align-GVGD: "Class C0"). In summary, the available evidence is currently insufficient to determine the role of this variant in disease. Therefore, it has been classified as a Variant of Uncertain Significance.

Center for Genomics, Ann and Robert H. Lurie Children's Hospital of Chicago
Classification: Uncertain significance for Developmental and epileptic encephalopathy, 12. Last evaluated: 2022-02-03. Review status: criteria provided, single submitter. Criteria: ACMG Guidelines, 2015. Collection method: clinical testing. Allele origin: germline.
Comment: PLCB1 NM_015192.3 exon 10 p.Arg297His (c.890G>A): This variant has not been reported in the literature but is present in 0.009% (4/41396) of African alleles in the Genome Aggregation Database. This variant is present in ClinVar (Variation ID:339501). Evolutionary conservation suggests that this variant may impact the protein; computational predictive tools suggest that this variant may not impact the protein. In summary, data on this variant is insufficient for disease classification. Therefore, the clinical significance of this variant is uncertain.

Illumina Laboratory Services, Illumina
Classification: Uncertain significance for Developmental and epileptic encephalopathy, 12. Last evaluated: 2018-01-12. Review status: criteria provided, single submitter. Criteria: ICSL Variant Classification Criteria 13 December 2019. Collection method: clinical testing. Allele origin: germline.